The following is an entry in ClinVar:

NM_001953.5(TYMP):c.47G>C (p.Gly16Ala)

Gene: TYMP (thymidine phosphorylase; minus strand). Cytogenetic location: 22q13.33.
Variant type: single nucleotide variant.
Coding change: c.47G>C on transcript NM_001953.5 (MANE Select); coding-DNA position 47, G replaced by C.
Protein change: p.Gly16Ala; replaces glycine 16 with alanine.
Molecular consequence: missense variant.
Genome position (GRCh38, 1-based): chr22:50,529,663, C>G on the plus strand (G>C on the coding strand, the complement: TYMP is on the minus strand). VCF-style: chr22-50529663-C-G. GRCh37 (hg19) VCF-style: chr22-50968092-C-G.
Other names: c.47G>C, p.Gly16Ala (LRG_727t2, NM_001113755.3, NM_001113756.3 and 3 more transcripts); c.47G>C (NM_001953.3); short protein forms G16A.
Identifiers: ClinVar variation 342156 (VCV000342156.8), dbSNP rs781163498, ClinGen allele CA10321890.
Genomic context (GRCh38, chr22:50,529,663, plus strand): 5'-AGCTGCTTGGGCTCTGGCGAAGGGTCGGGAAGTCCCTGGCTCCCTTCCCCGGAGAAGTCA[C>G]CAGGCGCGGGTGGGGCCCCGGTTCCCGGGGTCATCAAGGCTGCCATCGCTCCGGGCCTGC-3'
Protein context (NP_001944.1, residues 6-26): TPGTGAPPAP[Gly16Ala]DFSGEGSQGL

ClinVar aggregate classification (germline): Uncertain significance. Review status: criteria provided, multiple submitters, no conflicts (2 of 4 stars). 3 submissions from 3 submitters: Uncertain significance (3). Last evaluated 2026-01-26.

Conditions:
Mitochondrial DNA depletion syndrome 1. Also called: Mitochondrial neurogastrointestinal encephalomyopathy syndrome; POLIP SYNDROME; POLYNEUROPATHY, OPHTHALMOPLEGIA, LEUKOENCEPHALOPATHY, AND INTESTINAL PSEUDOOBSTRUCTION; Mitochondrial Neurogastrointestinal Encephalopathy Disease; MITOCHONDRIAL NEUROGASTROINTESTINAL ENCEPHALOPATHY SYNDROME, TYMP-RELATED; MNGIE, TYMP-RELATED. Identifiers: Orphanet 298, MedGen C4551995, MONDO:0011283, OMIM 603041.
Inborn genetic diseases. Identifiers: MedGen C0950123, MeSH D030342.

Submissions (3):

Labcorp Genetics (formerly Invitae), Labcorp
Classification: Uncertain significance. Last evaluated: 2026-01-26. Review status: criteria provided, single submitter. Criteria: Invitae Variant Classification Sherloc (09022015). Collection method: clinical testing. Allele origin: germline.
Comment: This sequence change replaces glycine, which is neutral and non-polar, with alanine, which is neutral and non-polar, at codon 16 of the TYMP protein (p.Gly16Ala). The frequency data for this variant in the population databases is considered unreliable, as metrics indicate poor data quality at this position in the gnomAD database. This variant has not been reported in the literature in individuals affected with TYMP-related conditions. ClinVar contains an entry for this variant (Variation ID: 342156). Invitae Evidence Modeling of protein sequence and biophysical properties (such as structural, functional, and spatial information, amino acid conservation, physicochemical variation, residue mobility, and thermodynamic stability) indicates that this missense variant is not expected to disrupt TYMP protein function with a negative predictive value of 95%. In summary, the available evidence is currently insufficient to determine the role of this variant in disease. Therefore, it has been classified as a Variant of Uncertain Significance.

Ambry Genetics
Classification: Uncertain significance for Inborn genetic diseases. Last evaluated: 2022-09-27. Review status: criteria provided, single submitter. Criteria: Ambry Variant Classification Scheme 2023. Collection method: clinical testing. Allele origin: germline.

Illumina Laboratory Services, Illumina
Classification: Uncertain significance for Mitochondrial DNA depletion syndrome 1. Last evaluated: 2018-01-12. Review status: criteria provided, single submitter. Criteria: ICSL Variant Classification Criteria 13 December 2019. Collection method: clinical testing. Allele origin: germline.